The following is an entry in ClinVar:

ClinVar aggregate classification (germline): Uncertain significance (1 of 4 stars; one submission).

Conditions:
Microcephaly 3, primary, autosomal recessive. Identifiers: Orphanet 2512, MedGen C1858108, MONDO:0011488, OMIM 604804.

Allele frequency attached by ClinVar (database versions not stated): gnomAD exomes below 0.00001; ExAC 0.00001.
gnomAD v4.1: 1 of 1,613,554 alleles (0.000062%); highest among the groups gnomAD compares: Non-Finnish European, 0.000085%; no homozygotes.

Submission:

Centre for Mendelian Genomics, University Medical Centre Ljubljana
Classification: Uncertain significance for Microcephaly 3, primary, autosomal recessive. Last evaluated: 2019-08-22. Review status: criteria provided, single submitter. Criteria: ACMG Guidelines, 2015. Collection method: clinical testing. Allele origin: unknown. Affected: yes.
Comment: This variant was classified as: Uncertain significance. The available evidence on this variant's pathogenicity is insufficient or conflicting. The following ACMG criteria were applied in classifying this variant: PM2.

NM_018249.6(CDK5RAP2):c.881C>T (p.Ala294Val)

Gene: CDK5RAP2 (CDK5 regulatory subunit associated protein 2; minus strand). Cytogenetic location: 9q33.2.
Variant type: single nucleotide variant.
Coding change: c.881C>T on transcript NM_018249.6 (MANE Select); coding-DNA position 881, C replaced by T.
Protein change: p.Ala294Val; replaces alanine 294 with valine.
Molecular consequence: missense variant. On other transcripts: non-coding transcript variant (5).
Genome position (GRCh38, 1-based): chr9:120,527,924, G>A on the plus strand (C>T on the coding strand, the complement: CDK5RAP2 is on the minus strand). VCF-style: chr9-120527924-G-A. GRCh37 (hg19) VCF-style: chr9-123290202-G-A.
Other names: c.881C>T, p.Ala294Val (NM_001011649.3, NM_001272039.2); short protein forms A294V.
Identifiers: ClinVar variation 930567 (VCV000930567.3), dbSNP rs757203397, ClinGen allele CA5214555.